The following is an entry in ClinVar:

NM_173354.5(SIK1):c.1078A>T (p.Arg360Trp)

Gene: SIK1 (salt inducible kinase 1; minus strand). Cytogenetic location: 21q22.3.
Variant type: single nucleotide variant.
Coding change: c.1078A>T on transcript NM_173354.5 (MANE Select); coding-DNA position 1078, A replaced by T.
Protein change: p.Arg360Trp; replaces arginine 360 with tryptophan.
Molecular consequence: missense variant.
Genome position (GRCh38, 1-based): chr21:43,419,900, T>A on the plus strand (A>T on the coding strand, the complement: SIK1 is on the minus strand). VCF-style: chr21-43419900-T-A. GRCh37 (hg19) VCF-style: chr21-44839780-T-A.
Other names: short protein forms R360W.
Identifiers: ClinVar variation 1370322 (VCV001370322.8), dbSNP rs768488074, ClinGen allele CA410608785.
Genomic context (GRCh38, chr21:43,419,900, plus strand): 5'-GGAGACTCCTCCCCCTCACCTCCAAACCACTGAGGTCCGAGCTCCGAGGCCGCGGCTGCC[T>A]GGCAGGCCCGGGGCGGGCGCACTGGGCATTCCGATACTCCTTGAGCCGCTCAAGGAGGAG-3'
Protein context (NP_775490.2, residues 350-370): NAQCARPGPA[Arg360Trp]QPRPRSSDLS

ClinVar aggregate classification (germline): Uncertain significance (1 of 4 stars; one submission).

Conditions:
Developmental and epileptic encephalopathy, 30 (DEE30). Also called: Epileptic encephalopathy, early infantile, 30. Identifiers: MedGen C4225360, MONDO:0014595, OMIM 616341.

Submission:

Labcorp Genetics (formerly Invitae), Labcorp
Classification: Uncertain significance for Developmental and epileptic encephalopathy, 30. Last evaluated: 2021-02-11. Review status: criteria provided, single submitter. Criteria: Invitae Variant Classification Sherloc (09022015). Collection method: clinical testing. Allele origin: germline.
Comment: This variant is not present in population databases (ExAC no frequency). This sequence change replaces arginine with tryptophan at codon 360 of the SIK1 protein (p.Arg360Trp). The arginine residue is moderately conserved and there is a moderate physicochemical difference between arginine and tryptophan. This variant has not been reported in the literature in individuals with SIK1-related conditions. In summary, the available evidence is currently insufficient to determine the role of this variant in disease. Therefore, it has been classified as a Variant of Uncertain Significance. Advanced modeling of protein sequence and biophysical properties (such as structural, functional, and spatial information, amino acid conservation, physicochemical variation, residue mobility, and thermodynamic stability) performed at Invitae indicates that this missense variant is not expected to disrupt SIK1 protein function.